The following is an entry in ClinVar:

NM_001370259.2(MEN1):c.1780A>C (p.Thr594Pro)

Gene: MEN1 (menin 1; minus strand). Cytogenetic location: 11q13.1.
Variant type: single nucleotide variant.
Coding change: c.1780A>C on transcript NM_001370259.2 (MANE Select); coding-DNA position 1780, A replaced by C.
Protein change: p.Thr594Pro; replaces threonine 594 with proline.
Molecular consequence: missense variant.
Genome position (GRCh38, 1-based): chr11:64,804,387, T>G on the plus strand (A>C on the coding strand, the complement: MEN1 is on the minus strand). VCF-style: chr11-64804387-T-G. GRCh37 (hg19) VCF-style: chr11-64571859-T-G.
Other names: c.1795A>C, p.Thr599Pro (NM_000244.4, NM_130800.3, NM_130801.3 and 4 more transcripts); c.1906A>C, p.Thr636Pro (NM_001370251.2, NM_001407142.1, NM_001407143.1 and 1 more transcripts); c.1675A>C, p.Thr559Pro (NM_001407148.1, NM_001407149.1, NM_001370262.2 and 1 more transcripts); c.1921A>C, p.Thr641Pro (NM_001407150.1); c.1801A>C, p.Thr601Pro (NM_001407151.1); c.1615A>C, p.Thr539Pro (NM_001407152.1); c.1780A>C, p.Thr594Pro (NM_130799.3, NM_001370260.2, NM_001370261.2 and 2 more transcripts); short protein forms T594P, T599P, T539P, T601P, T636P, T641P, T559P.
Identifiers: ClinVar variation 2113688 (VCV002113688.6), dbSNP rs1941488490, ClinGen allele CA381177324.

ClinVar aggregate classification (germline): Uncertain significance. Review status: criteria provided, multiple submitters, no conflicts (2 of 4 stars). 3 submissions from 3 submitters: Uncertain significance (3). Last evaluated 2025-05-06.

Conditions:
Hereditary cancer-predisposing syndrome. Also called: Tumor predisposition; Hereditary Cancer Syndrome; Neoplastic Syndromes, Hereditary; Hereditary neoplastic syndrome. Identifiers: Orphanet 140162, MedGen C0027672, MeSH D009386, MONDO:0015356.
Multiple endocrine neoplasia, type 1 (MEN1). Also called: MEN I; WERMER SYNDROME; Endocrine adenomatosis multiple; MEN 1; MEA I. Identifiers: Orphanet 652, MedGen C0025267, MeSH D018761, MONDO:0007540, OMIM 131100.

Submissions (3):

Ambry Genetics
Classification: Uncertain significance for Hereditary cancer-predisposing syndrome. Last evaluated: 2025-05-06. Review status: criteria provided, single submitter. Criteria: Ambry Variant Classification Scheme 2023. Collection method: clinical testing. Allele origin: germline.
Comment: The p.T594P variant (also known as c.1780A>C), located in coding exon 9 of the MEN1 gene, results from an A to C substitution at nucleotide position 1780. The threonine at codon 594 is replaced by proline, an amino acid with highly similar properties. This amino acid position is not well conserved in available vertebrate species. In addition, the in silico prediction for this alteration is inconclusive. Based on the available evidence, the clinical significance of this variant remains unclear.

Baylor Genetics
Classification: Uncertain significance for Multiple Endocrine Neoplasia Type 1. Last evaluated: 2024-01-17. Review status: criteria provided, single submitter. Criteria: ACMG Guidelines, 2015. Collection method: clinical testing. Allele origin: unknown.

Labcorp Genetics (formerly Invitae), Labcorp
Classification: Uncertain significance for Multiple endocrine neoplasia, type 1. Last evaluated: 2022-03-18. Review status: criteria provided, single submitter. Criteria: Invitae Variant Classification Sherloc (09022015). Collection method: clinical testing. Allele origin: germline.
Comment: This sequence change replaces threonine, which is neutral and polar, with proline, which is neutral and non-polar, at codon 594 of the MEN1 protein (p.Thr594Pro). This variant is not present in population databases (gnomAD no frequency). This variant has not been reported in the literature in individuals affected with MEN1-related conditions. Advanced modeling of protein sequence and biophysical properties (such as structural, functional, and spatial information, amino acid conservation, physicochemical variation, residue mobility, and thermodynamic stability) performed at Invitae indicates that this missense variant is not expected to disrupt MEN1 protein function. In summary, the available evidence is currently insufficient to determine the role of this variant in disease. Therefore, it has been classified as a Variant of Uncertain Significance.